The following is an entry in ClinVar:

NM_173630.4(RTTN):c.4748-210T>A

Gene: RTTN (rotatin; minus strand). Cytogenetic location: 18q22.2.
Variant type: single nucleotide variant.
Coding change: c.4748-210T>A on transcript NM_173630.4 (MANE Select); 210 bases into the intron before coding-DNA position 4748, T replaced by A.
Molecular consequence: intron variant.
Genome position (GRCh38, 1-based): chr18:70,060,252, A>T on the plus strand (T>A on the coding strand, the complement: RTTN is on the minus strand). VCF-style: chr18-70060252-A-T. GRCh37 (hg19) VCF-style: chr18-67727488-A-T.
Other names: c.2012-210T>A (NM_001318520.2).
Identifiers: ClinVar variation 676973 (VCV000676973.1), dbSNP rs73964490, ClinGen allele CA301946889.
Genomic context (GRCh38, chr18:70,060,252, plus strand): 5'-TTAGGGGTCAGGCTACCCCTACTACTCCTGACCTCCACCTTCCACCATGTGTGGATGTAG[A>T]TGTGTAGATGTGTACACACGGACATTGTCGTATGCAGAAGAGACAGGTCAGAAAGGGCAG-3'

ClinVar aggregate classification (germline): Benign (1 of 4 stars; one submission).

Allele frequency attached by ClinVar (database versions not stated): gnomAD 0.03759 and 0.03839; 1000 Genomes Project 0.03794; 1000 Genomes Project 30x 0.03888; TOPMed 0.04008.
gnomAD v4.1: 5,692 of 152,154 alleles (3.7%); highest among the groups gnomAD compares: African/African-American, 6.2%; 139 homozygotes.

Submission:

GeneDx
Classification: Benign. Last evaluated: 2018-06-19. Review status: criteria provided, single submitter. Criteria: GeneDx Variant Classification (06012015). Collection method: clinical testing. Allele origin: germline. Affected: yes.
Comment: This variant is considered likely benign or benign based on one or more of the following criteria: it is a conservative change, it occurs at a poorly conserved position in the protein, it is predicted to be benign by multiple in silico algorithms, and/or has population frequency not consistent with disease.